The following is an entry in ClinVar:

ClinVar aggregate classification (germline): Uncertain significance. Review status: criteria provided, multiple submitters, no conflicts (2 of 4 stars). 2 submissions from 2 submitters: Uncertain significance (2). Last evaluated 2025-02-25.

Conditions:
NEDD4L-related disorder. Also called: NEDD4L-related condition.

Submissions (2):

Women's Health and Genetics/Laboratory Corporation of America, LabCorp
Classification: Uncertain significance. Last evaluated: 2025-02-25. Review status: criteria provided, single submitter. Criteria: LabCorp Variant Classification Summary - May 2015. Collection method: clinical testing. Allele origin: germline.
Comment: Variant summary: NEDD4L c.1105A>G (p.Thr369Ala) results in a non-conservative amino acid change in the encoded protein sequence. Three of five in-silico tools predict a benign effect of the variant on protein function. The variant was absent in 248874 control chromosomes. The available data on variant occurrences in the general population are insufficient to allow any conclusion about variant significance. To our knowledge, no occurrence of c.1105A>G in individuals affected with Periventricular Nodular Heterotopia 7 and no experimental evidence demonstrating its impact on protein function have been reported. ClinVar contains an entry for this variant (Variation ID: 2635903). Based on the evidence outlined above, the variant was classified as uncertain significance.

PreventionGenetics, part of Exact Sciences
Classification: Uncertain significance for NEDD4L-related condition. Last evaluated: 2022-09-15. Review status: criteria provided, single submitter. Criteria: ACMG Guidelines, 2015. Collection method: clinical testing. Allele origin: germline.
Comment: The NEDD4L c.1105A>G variant is predicted to result in the amino acid substitution p.Thr369Ala. To our knowledge, this variant has not been reported in the literature or in a large population database, indicating this variant is rare. At this time, the clinical significance of this variant is uncertain due to the absence of conclusive functional and genetic evidence.

NM_001144967.3(NEDD4L):c.1105A>G (p.Thr369Ala)

Gene: NEDD4L (NEDD4 like E3 ubiquitin protein ligase; plus strand). Cytogenetic location: 18q21.31.
Variant type: single nucleotide variant.
Coding change: c.1105A>G on transcript NM_001144967.3 (MANE Select); coding-DNA position 1105, A replaced by G.
Protein change: p.Thr369Ala; replaces threonine 369 with alanine.
Molecular consequence: missense variant. On other transcripts: intron variant (5).
Genome position (GRCh38, 1-based): chr18:58,335,517, A>G. VCF-style: chr18-58335517-A-G. GRCh37 (hg19) VCF-style: chr18-56002749-A-G.
Other names: c.742A>G, p.Thr248Ala (NM_001144964.1, NM_001144965.2, NM_001144966.3); c.1081A>G, p.Thr361Ala (NM_001144968.2); c.1065+1625A>G (NM_015277.6, NM_001243960.2); c.702+1625A>G (NM_001144971.2, NM_001144970.3); c.1041+1625A>G (NM_001144969.2); short protein forms T248A, T361A, T369A.
Identifiers: ClinVar variation 2635903 (VCV002635903.2), dbSNP rs1601399749, ClinGen allele CA402558670.
Genomic context (GRCh38, chr18:58,335,517, plus strand): 5'-GATGTAAATTATCATTCACAGCCCAGTGCCCCAGCTGGGAGAGCGCGTTCATCAACTGTC[A>G]CGGGTGGTGAGGAACCAACGGTAATGATCCACTTTATCAGACATCAATAGCAAGAGGCCG-3'
Protein context (NP_001138439.1, residues 359-379): PAGRARSSTV[Thr369Ala]GGEEPTPSVA